The following is an entry in ClinVar:

ClinVar aggregate classification (germline): Pathogenic (1 of 4 stars; one submission).

Submission:

Labcorp Genetics (formerly Invitae), Labcorp
Classification: Pathogenic. Last evaluated: 2024-03-18. Review status: criteria provided, single submitter. Criteria: Invitae Variant Classification Sherloc (09022015). Collection method: clinical testing. Allele origin: germline.
Comment: This sequence change replaces histidine, which is basic and polar, with tyrosine, which is neutral and polar, at codon 46 of the KCNJ11 protein (p.His46Tyr). This variant is not present in population databases (gnomAD no frequency). This missense change has been observed in individuals with autosomal dominant permanent neonatal diabetes (PMID: 16609879, 33885251, 36398453). It has also been observed to segregate with disease in related individuals. Advanced modeling of protein sequence and biophysical properties (such as structural, functional, and spatial information, amino acid conservation, physicochemical variation, residue mobility, and thermodynamic stability) performed at Invitae indicates that this missense variant is expected to disrupt KCNJ11 protein function with a positive predictive value of 95%. For these reasons, this variant has been classified as Pathogenic.

Literature cited by the submitters: PubMed 16609879; PubMed 33885251; PubMed 36398453.

NM_000525.4(KCNJ11):c.136C>T (p.His46Tyr)

Gene: KCNJ11 (potassium inwardly rectifying channel subfamily J member 11; minus strand). Cytogenetic location: 11p15.1.
Variant type: single nucleotide variant.
Coding change: c.136C>T on transcript NM_000525.4 (MANE Select); coding-DNA position 136, C replaced by T.
Protein change: p.His46Tyr; replaces histidine 46 with tyrosine.
Molecular consequence: missense variant. On other transcripts: intron variant (3).
Genome position (GRCh38, 1-based): chr11:17,387,956, G>A on the plus strand (C>T on the coding strand, the complement: KCNJ11 is on the minus strand). VCF-style: chr11-17387956-G-A. GRCh37 (hg19) VCF-style: chr11-17409503-G-A.
Other names: c.-16-110C>T (NM_001166290.2, NM_001377297.1); c.-17+62C>T (NM_001377296.1); short protein forms H46Y.
Identifiers: ClinVar variation 3721001 (VCV003721001.2).